The following is an entry in ClinVar:

ClinVar aggregate classification (germline): other (0 of 4 stars; one submission).

Conditions:
Familial colorectal cancer. Identifiers: MedGen CN280943, MONDO:0023113. Disease mechanism: loss of function.

Allele frequency attached by ClinVar (database versions not stated): gnomAD 0.28262 and 0.28383; 1000 Genomes Project 0.21266; 1000 Genomes Project 30x 0.20956; TOPMed 0.25838.
gnomAD v4.1: 43,061 of 152,028 alleles (28%); highest among the groups gnomAD compares: Non-Finnish European, 37%; 7,257 homozygotes.

Submission:

Systems Biology Platform Zhejiang California International NanoSystems Institute
Classification: other for Familial colorectal cancer. Review status: no assertion criteria provided. Collection method: not provided. Allele origin: unknown.
ClinVar note: Converted during submission from cancer to other.

NM_001127511.3(APC):c.165+23563C>T

Gene: APC (APC regulator of Wnt signaling pathway; plus strand). Cytogenetic location: 5q22.2.
Variant type: single nucleotide variant.
Coding change: c.165+23563C>T on transcript NM_001127511.3; 23563 bases into the intron after coding-DNA position 165, C replaced by T.
Molecular consequence: intron variant.
Genome position (GRCh38, 1-based): chr5:112,731,445, C>T. VCF-style: chr5-112731445-C-T. GRCh37 (hg19) VCF-style: chr5-112067142-C-T.
Other names: c.-1053-23428C>T (NM_001407470.1, NM_001407472.1); c.-18-23428C>T (NM_001407447.1, NM_001354895.2, NM_001407456.1 and 7 more transcripts); c.165+23563C>T (NM_001407446.1, NM_001354897.2, NM_001354902.2); c.-43+23796C>T (NM_001407453.1).
Identifiers: ClinVar variation 82717 (VCV000082717.4), dbSNP rs468179, ClinGen allele CA023560.